The following is an entry in ClinVar:

ClinVar aggregate classification (germline): Conflicting classifications of pathogenicity. Review status: criteria provided, conflicting classifications (1 of 4 stars). 5 submissions from 5 submitters: Uncertain significance (4); Likely benign (1). Last evaluated 2025-11-24.

Conditions:
CEP164-related disorder. Also called: CEP164-related condition.
Inborn genetic diseases. Identifiers: MedGen C0950123, MeSH D030342.
Nephronophthisis 15 (NPHP15). Identifiers: Orphanet 3156, MedGen C3541853, MONDO:0013917, OMIM 614845.

Allele frequency attached by ClinVar (database versions not stated): TOPMed 0.00001; ESP Exome Variant Server 0.00008.
gnomAD v4.1: 44 of 1,612,626 alleles (0.0027%); highest among the groups gnomAD compares: Middle Eastern, 0.019%; no homozygotes.

Submissions (5):

PreventionGenetics, part of Exact Sciences
Classification: Uncertain significance for CEP164-related condition. Last evaluated: 2025-11-24. Review status: criteria provided, single submitter. Criteria: ACMG Guidelines, 2015. Collection method: clinical testing. Allele origin: germline.
Comment: The CEP164 c.3484C>T variant is predicted to result in the amino acid substitution p.Arg1162Cys. To our knowledge, this variant has not been reported in the literature. This variant is reported in 0.0065% of alleles in individuals of South Asian descent in gnomAD. At this time, the clinical significance of this variant is uncertain due to the absence of conclusive functional and genetic evidence.

Ambry Genetics
Classification: Uncertain significance for Inborn genetic diseases. Last evaluated: 2025-03-05. Review status: criteria provided, single submitter. Criteria: Ambry Variant Classification Scheme 2023. Collection method: clinical testing. Allele origin: germline.

Labcorp Genetics (formerly Invitae), Labcorp
Classification: Uncertain significance for Nephronophthisis 15. Last evaluated: 2025-01-27. Review status: criteria provided, single submitter. Criteria: Invitae Variant Classification Sherloc (09022015). Collection method: clinical testing. Allele origin: germline.
Comment: This sequence change replaces arginine, which is basic and polar, with cysteine, which is neutral and slightly polar, at codon 1162 of the CEP164 protein (p.Arg1162Cys). This variant is present in population databases (rs138487235, gnomAD 0.007%). This variant has not been reported in the literature in individuals affected with CEP164-related conditions. ClinVar contains an entry for this variant (Variation ID: 936829). Invitae Evidence Modeling of protein sequence and biophysical properties (such as structural, functional, and spatial information, amino acid conservation, physicochemical variation, residue mobility, and thermodynamic stability) indicates that this missense variant is not expected to disrupt CEP164 protein function with a negative predictive value of 80%. In summary, the available evidence is currently insufficient to determine the role of this variant in disease. Therefore, it has been classified as a Variant of Uncertain Significance.

Blueprint Genetics
Classification: Likely benign. Last evaluated: 2023-09-20. Review status: criteria provided, single submitter. Criteria: ACMG Guidelines, 2015. Collection method: clinical testing. Allele origin: germline.

Fulgent Genetics
Classification: Uncertain significance for Nephronophthisis 15. Last evaluated: 2021-10-29. Review status: criteria provided, single submitter. Criteria: ACMG Guidelines, 2015. Collection method: clinical testing. Allele origin: unknown.

NM_014956.5(CEP164):c.3484C>T (p.Arg1162Cys)

Gene: CEP164 (centrosomal protein 164; plus strand). Cytogenetic location: 11q23.3.
Variant type: single nucleotide variant.
Coding change: c.3484C>T on transcript NM_014956.5 (MANE Select); coding-DNA position 3484, C replaced by T.
Protein change: p.Arg1162Cys; replaces arginine 1162 with cysteine.
Molecular consequence: missense variant.
Genome position (GRCh38, 1-based): chr11:117,397,296, C>T. VCF-style: chr11-117397296-C-T. GRCh37 (hg19) VCF-style: chr11-117268012-C-T.
Other names: c.3493C>T, p.Arg1165Cys (NM_001271933.2); short protein forms R1162C, R1165C.
Identifiers: ClinVar variation 936829 (VCV000936829.12), dbSNP rs138487235, ClinGen allele CA6295461.
Genomic context (GRCh38, chr11:117,397,296, plus strand): 5'-CTGGCCAGTGCGCAGGAGGTGGCCAAAGACCCACCAGGCATCAAGGCCCTGGAAGATATG[C>T]GCAAGAACCTGGAGAAGGTCAGGAGCTTTGGGAAGGGCCTGCCAGCCCTGTGTGGGGGAG-3'
Protein context (NP_055771.4, residues 1152-1172): PPGIKALEDM[Arg1162Cys]KNLEKETRHL